The following is an entry in ClinVar:

ClinVar aggregate classification (germline): Uncertain significance. Review status: criteria provided, multiple submitters, no conflicts (2 of 4 stars). 2 submissions from 2 submitters: Uncertain significance (2). Last evaluated 2023-05-10.

Conditions:
Cardiomyopathy (CMYO). Also called: Cardiomyopathies. Identifiers: Orphanet 167848, MedGen C0878544, MONDO:0004994, HP:0001638. Inheritance: Various modes of inheritance.
Hypertrophic cardiomyopathy. Also called: HYPERTROPHIC MYOCARDIOPATHY. Identifiers: Orphanet 217569, MedGen C0007194, MeSH D002312, MONDO:0005045, HP:0001639.

Allele frequency attached by ClinVar (database versions not stated): gnomAD exomes below 0.00001.
gnomAD v4.1: 2 of 1,614,168 alleles (0.00012%); highest among the groups gnomAD compares: Non-Finnish European, 0.00017%; no homozygotes.

Submissions (2):

Labcorp Genetics (formerly Invitae), Labcorp
Classification: Uncertain significance for Hypertrophic cardiomyopathy. Last evaluated: 2023-05-10. Review status: criteria provided, single submitter. Criteria: Invitae Variant Classification Sherloc (09022015). Collection method: clinical testing. Allele origin: germline.
Comment: In summary, the available evidence is currently insufficient to determine the role of this variant in disease. Therefore, it has been classified as a Variant of Uncertain Significance. Advanced modeling of protein sequence and biophysical properties (such as structural, functional, and spatial information, amino acid conservation, physicochemical variation, residue mobility, and thermodynamic stability) performed at Invitae indicates that this missense variant is expected to disrupt MYH7 protein function. ClinVar contains an entry for this variant (Variation ID: 918880). This variant has not been reported in the literature in individuals affected with MYH7-related conditions. This variant is not present in population databases (gnomAD no frequency). This sequence change replaces glutamic acid, which is acidic and polar, with lysine, which is basic and polar, at codon 1462 of the MYH7 protein (p.Glu1462Lys).

Color Diagnostics, LLC DBA Color Health
Classification: Uncertain significance for Cardiomyopathy. Last evaluated: 2021-04-12. Review status: criteria provided, single submitter. Criteria: ACMG Guidelines, 2015. Collection method: clinical testing. Allele origin: germline.
Comment: This missense variant replaces glutamic acid with lysine at codon 1462 of the MYH7 protein. Computational prediction suggests that this variant may have deleterious impact on protein structure and function (internally defined REVEL score threshold >= 0.7, PMID: 27666373). To our knowledge, functional studies have not been reported for this variant. This variant has not been reported in individuals affected with cardiovascular disorders in the literature. This variant has not been identified in the general population by the Genome Aggregation Database (gnomAD). The available evidence is insufficient to determine the role of this variant in disease conclusively. Therefore, this variant is classified as a Variant of Uncertain Significance.

NM_000257.4(MYH7):c.4384G>A (p.Glu1462Lys)

Genes: MHRT (myosin heavy chain associated RNA transcript; plus strand), MYH7 (myosin heavy chain 7; minus strand). Cytogenetic location: 14q11.2.
Variant type: single nucleotide variant.
Coding change: c.4384G>A on transcript NM_000257.4 (MANE Select); coding-DNA position 4384, G replaced by A.
Protein change: p.Glu1462Lys; replaces glutamic acid 1462 with lysine.
Molecular consequence: missense variant. On other transcripts: non-coding transcript variant (1).
Genome position (GRCh38, 1-based): chr14:23,417,288, C>T on the plus strand (G>A on the coding strand, the complement: MYH7 is on the minus strand). VCF-style: chr14-23417288-C-T. GRCh37 (hg19) VCF-style: chr14-23886497-C-T.
Other names: short protein forms E1462K.
Identifiers: ClinVar variation 918880 (VCV000918880.4), dbSNP rs1892258263, ClinGen allele CA389038770.